The following is an entry in ClinVar:

NM_021625.5(TRPV4):c.1175G>A (p.Arg392Gln)

Gene: TRPV4 (transient receptor potential cation channel subfamily V member 4; minus strand). Cytogenetic location: 12q24.11.
Variant type: single nucleotide variant.
Coding change: c.1175G>A on transcript NM_021625.5 (MANE Select); coding-DNA position 1175, G replaced by A.
Protein change: p.Arg392Gln; replaces arginine 392 with glutamine.
Molecular consequence: missense variant. On other transcripts: intron variant (2).
Genome position (GRCh38, 1-based): chr12:109,796,682, C>T on the plus strand (G>A on the coding strand, the complement: TRPV4 is on the minus strand). VCF-style: chr12-109796682-C-T. GRCh37 (hg19) VCF-style: chr12-110234487-C-T.
Other names: c.1034G>A, p.Arg345Gln (NM_001177428.2); c.1073G>A, p.Arg358Gln (NM_001177431.2); c.1011+1932G>A (NM_001177433.1); c.1152+1932G>A (NM_147204.2); short protein forms R345Q, R358Q, R392Q.
Identifiers: ClinVar variation 916986 (VCV000916986.7), dbSNP rs770364304, ClinGen allele CA6780313.
Genomic context (GRCh38, chr12:109,796,682, plus strand): 5'-CCATAGGCCCAGTCCTTGAACTTGCGGGACAGGTGCCGTGTGTCCTCATCCGTCACCTCC[C>T]GCCGGATGATGTGCTGAAAGATCTGCACAGGGGGCCAGGAGGGTCAGGGGGCTCACACTG-3'
Protein context (NP_067638.3, residues 382-402): KIGIFQHIIR[Arg392Gln]EVTDEDTRHL

ClinVar aggregate classification (germline): Uncertain significance. Review status: criteria provided, multiple submitters, no conflicts (2 of 4 stars). 3 submissions from 3 submitters: Uncertain significance (3). Last evaluated 2025-09-02.

Conditions:
Charcot-Marie-Tooth disease. Also called: Charcot-Marie-Tooth Neuropathy; Charcot-Marie-Tooth Hereditary Neuropathy. Identifiers: Orphanet 166, MedGen C0007959, MONDO:0015626.
Charcot-Marie-Tooth disease axonal type 2C (HMSN2C). Also called: Charcot-Marie-Tooth Disease Type 2, TRPV4-Related (CMT2C); CHARCOT-MARIE-TOOTH DISEASE, AXONAL, AUTOSOMAL DOMINANT, TYPE 2C; Charcot-Marie-Tooth Neuropathy Type 2C. Identifiers: Orphanet 99937, MedGen C1853710, MONDO:0011633, OMIM 606071.

Allele frequency attached by ClinVar (database versions not stated): gnomAD 0.00004 and 0.00003; TOPMed 0.00002.
gnomAD v4.1: 22 of 1,613,006 alleles (0.0014%); highest among the groups gnomAD compares: Admixed American, 0.005%; no homozygotes.

Submissions (3):

Labcorp Genetics (formerly Invitae), Labcorp
Classification: Uncertain significance for Charcot-Marie-Tooth disease axonal type 2C. Last evaluated: 2025-09-02. Review status: criteria provided, single submitter. Criteria: Invitae Variant Classification Sherloc (09022015). Collection method: clinical testing. Allele origin: germline.
Comment: This sequence change replaces arginine, which is basic and polar, with glutamine, which is neutral and polar, at codon 392 of the TRPV4 protein (p.Arg392Gln). This variant is present in population databases (rs770364304, gnomAD 0.003%). This missense change has been observed in individual(s) with Charcot-Marie-Tooth disease (PMID: 32376792). ClinVar contains an entry for this variant (Variation ID: 916986). Invitae Evidence Modeling of protein sequence and biophysical properties (such as structural, functional, and spatial information, amino acid conservation, physicochemical variation, residue mobility, and thermodynamic stability) indicates that this missense variant is expected to disrupt TRPV4 protein function with a positive predictive value of 95%. In summary, the available evidence is currently insufficient to determine the role of this variant in disease. Therefore, it has been classified as a Variant of Uncertain Significance.

GeneDx
Classification: Uncertain significance. Last evaluated: 2019-08-24. Review status: criteria provided, single submitter. Criteria: GeneDx Variant Classification Process June 2021. Collection method: clinical testing. Allele origin: germline. Affected: yes.
Comment: Not observed at a significant frequency in large population cohorts (Lek et al., 2016); In silico analysis, which includes protein predictors and evolutionary conservation, supports a deleterious effect; Has not been previously published as pathogenic or benign to our knowledge; This variant is associated with the following publications: (PMID: 32376792)

Molecular Genetics Laboratory, London Health Sciences Centre
Classification: Uncertain significance for Charcot-Marie-Tooth disease. Review status: criteria provided, single submitter. Criteria: ACMG Guidelines, 2015. Collection method: clinical testing. Allele origin: germline. Affected: yes.

Literature cited by the submitters: PubMed 32376792 (cited by Labcorp Genetics (formerly Invitae), Labcorp).